The following is an entry in ClinVar:

NM_000307.5(POU3F4):c.907C>T (p.Pro303Ser)

Gene: POU3F4 (POU class 3 homeobox 4; plus strand). Cytogenetic location: Xq21.1.
Variant type: single nucleotide variant.
Coding change: c.907C>T on transcript NM_000307.5 (MANE Select); coding-DNA position 907, C replaced by T.
Protein change: p.Pro303Ser; replaces proline 303 with serine.
Molecular consequence: missense variant.
Genome position (GRCh38, 1-based): chrX:83,509,231, C>T. VCF-style: chrX-83509231-C-T. GRCh37 (hg19) VCF-style: chrX-82764239-C-T.
Other names: short protein forms P303S.
Identifiers: ClinVar variation 2737264 (VCV002737264.3), dbSNP rs2520216740, ClinGen allele CA413752588.

ClinVar aggregate classification (germline): Uncertain significance (1 of 4 stars; one submission).

Submission:

Labcorp Genetics (formerly Invitae), Labcorp
Classification: Uncertain significance. Last evaluated: 2023-02-14. Review status: criteria provided, single submitter. Criteria: Invitae Variant Classification Sherloc (09022015). Collection method: clinical testing. Allele origin: germline.
Comment: This sequence change replaces proline, which is neutral and non-polar, with serine, which is neutral and polar, at codon 303 of the POU3F4 protein (p.Pro303Ser). This variant is not present in population databases (gnomAD no frequency). This missense change has been observed in individuals with hearing loss (PMID: 32885640; Invitae). Advanced modeling of protein sequence and biophysical properties (such as structural, functional, and spatial information, amino acid conservation, physicochemical variation, residue mobility, and thermodynamic stability) performed at Invitae indicates that this missense variant is expected to disrupt POU3F4 protein function. In summary, the available evidence is currently insufficient to determine the role of this variant in disease. Therefore, it has been classified as a Variant of Uncertain Significance.

Literature cited by the submitters: PubMed 32885640.